The following is an entry in ClinVar:

NM_014384.3(ACAD8):c.337G>A (p.Ala113Thr)

Gene: ACAD8 (acyl-CoA dehydrogenase family member 8; plus strand). Cytogenetic location: 11q25.
Variant type: single nucleotide variant.
Coding change: c.337G>A on transcript NM_014384.3 (MANE Select); coding-DNA position 337, G replaced by A.
Protein change: p.Ala113Thr; replaces alanine 113 with threonine.
Molecular consequence: missense variant.
Genome position (GRCh38, 1-based): chr11:134,257,214, G>A. VCF-style: chr11-134257214-G-A. GRCh37 (hg19) VCF-style: chr11-134127108-G-A.
Other names: short protein forms A113T.
Identifiers: ClinVar variation 303674 (VCV000303674.14), dbSNP rs751633406, ClinGen allele CA6372908.

ClinVar aggregate classification (germline): Uncertain significance. Review status: criteria provided, multiple submitters, no conflicts (2 of 4 stars). 5 submissions from 5 submitters: Uncertain significance (5). Last evaluated 2026-03-06.

Conditions:
Inborn genetic diseases. Identifiers: MedGen C0950123, MeSH D030342.
Deficiency of isobutyryl-CoA dehydrogenase. Also called: IBD DEFICIENCY; ACYL-CoA DEHYDROGENASE FAMILY, MEMBER 8, DEFICIENCY OF; ACAD8 DEFICIENCY. Identifiers: Orphanet 79159, MedGen C1969809, MONDO:0012648, OMIM 611283.

Allele frequency attached by ClinVar (database versions not stated): gnomAD 0.00001; ExAC 0.00003; gnomAD exomes 0.00005 and 0.00003; TOPMed 0.00005.
gnomAD v4.1: 73 of 1,614,032 alleles (0.0045%); highest among the groups gnomAD compares: Non-Finnish European, 0.0057%; no homozygotes.

Submissions (5):

Ambry Genetics
Classification: Uncertain significance for Inborn genetic diseases. Last evaluated: 2026-03-06. Review status: criteria provided, single submitter. Criteria: Ambry Variant Classification Scheme 2023. Collection method: clinical testing. Allele origin: germline.
Comment: The c.337G>A (p.A113T) alteration is located in exon 3 (coding exon 3) of the ACAD8 gene. This alteration results from a G to A substitution at nucleotide position 337, causing the alanine (A) at amino acid position 113 to be replaced by a threonine (T). Based on data from gnomAD, the A allele has an overall frequency of 0.003% (7/251240) total alleles studied. The highest observed frequency was 0.005% (6/113546) of European (non-Finnish) alleles. Based on insufficient or conflicting evidence, the clinical significance of this alteration remains unclear.

GeneDx
Classification: Uncertain significance. Last evaluated: 2025-01-31. Review status: criteria provided, single submitter. Criteria: GeneDx Variant Classification Process June 2021. Collection method: clinical testing. Allele origin: germline. Affected: yes.
Comment: Reported in a cohort of individuals with inborn errors of metabolism (PMID: 32778825); In silico analysis indicates that this missense variant does not alter protein structure/function; Not observed at significant frequency in large population cohorts (gnomAD); This variant is associated with the following publications: (PMID: 32778825)

Labcorp Genetics (formerly Invitae), Labcorp
Classification: Uncertain significance for Deficiency of isobutyryl-CoA dehydrogenase. Last evaluated: 2024-01-03. Review status: criteria provided, single submitter. Criteria: Invitae Variant Classification Sherloc (09022015). Collection method: clinical testing. Allele origin: germline.
Comment: This sequence change replaces alanine, which is neutral and non-polar, with threonine, which is neutral and polar, at codon 113 of the ACAD8 protein (p.Ala113Thr). This variant is present in population databases (rs751633406, gnomAD 0.006%). This missense change has been observed in individual(s) with a positive newborn screening result for ACAD8-related disease (PMID: 32778825). ClinVar contains an entry for this variant (Variation ID: 303674). Advanced modeling of protein sequence and biophysical properties (such as structural, functional, and spatial information, amino acid conservation, physicochemical variation, residue mobility, and thermodynamic stability) performed at Invitae indicates that this missense variant is not expected to disrupt ACAD8 protein function with a negative predictive value of 80%. In summary, the available evidence is currently insufficient to determine the role of this variant in disease. Therefore, it has been classified as a Variant of Uncertain Significance.

Laboratorio de Genetica e Diagnostico Molecular, Hospital Israelita Albert Einstein
Classification: Uncertain significance for Deficiency of isobutyryl-CoA dehydrogenase. Last evaluated: 2022-12-22. Review status: criteria provided, single submitter. Criteria: ACMG Guidelines, 2015. Collection method: clinical testing. Allele origin: germline. Affected: yes. Observed: 1 variant allele.
Comment: ACMG classification criteria: PM2 supporting, PP3 supporting

Illumina Laboratory Services, Illumina
Classification: Uncertain significance for Deficiency of isobutyryl-CoA dehydrogenase. Last evaluated: 2018-01-13. Review status: criteria provided, single submitter. Criteria: ICSL Variant Classification Criteria 13 December 2019. Collection method: clinical testing. Allele origin: germline.

Literature cited by the submitters: PubMed 32778825 (cited by Labcorp Genetics (formerly Invitae), Labcorp).